The following is an entry in ClinVar:

NM_017780.4(CHD7):c.8979T>G (p.Asn2993Lys)

Gene: CHD7 (chromodomain helicase DNA binding protein 7; plus strand). Cytogenetic location: 8q12.2.
Variant type: single nucleotide variant.
Coding change: c.8979T>G on transcript NM_017780.4 (MANE Select); coding-DNA position 8979, T replaced by G.
Protein change: p.Asn2993Lys; replaces asparagine 2993 with lysine.
Molecular consequence: missense variant.
Genome position (GRCh38, 1-based): chr8:60,865,918, T>G. VCF-style: chr8-60865918-T-G. GRCh37 (hg19) VCF-style: chr8-61778477-T-G.
Other names: c.2832T>G, p.Asn944Lys (NM_001316690.1); short protein forms N2993K, N944K.
Identifiers: ClinVar variation 3684302 (VCV003684302.2).
Genomic context (GRCh38, chr8:60,865,918, plus strand): 5'-CGAAATAGCACAGGGTGAAGAGCTAGACTCACTTGATGGGGGGGATGAAATAGAAAACAA[T>G]GAAAATGATGAATAACCAGTACCAGTTCCAGTTCAAGTGTTTAAAACTTTTGACAAGTGG-3'
Protein context (NP_060250.2, residues 2983-2997): SLDGGDEIEN[Asn2993Lys]ENDE

ClinVar aggregate classification (germline): Uncertain significance (1 of 4 stars; one submission).

Conditions:
CHARGE syndrome (CHARGE). Also called: Hittner Hirsch Kreh syndrome; CHARGE ASSOCIATION--COLOBOMA, HEART ANOMALY, CHOANAL ATRESIA, RETARDATION, GENITAL AND EAR ANOMALIES; Coloboma, heart anomaly, choanal atresia, retardation, genital and ear anomalies; CHARGE association; Hall-Hittner syndrome. Identifiers: Orphanet 138, MedGen C0265354, MONDO:0008965.

Submission:

Labcorp Genetics (formerly Invitae), Labcorp
Classification: Uncertain significance for CHARGE syndrome. Last evaluated: 2024-05-22. Review status: criteria provided, single submitter. Criteria: Invitae Variant Classification Sherloc (09022015). Collection method: clinical testing. Allele origin: germline.
Comment: This sequence change replaces asparagine, which is neutral and polar, with lysine, which is basic and polar, at codon 2993 of the CHD7 protein (p.Asn2993Lys). This variant is not present in population databases (gnomAD no frequency). This variant has not been reported in the literature in individuals affected with CHD7-related conditions. Advanced modeling of protein sequence and biophysical properties (such as structural, functional, and spatial information, amino acid conservation, physicochemical variation, residue mobility, and thermodynamic stability) performed at Invitae indicates that this missense variant is not expected to disrupt CHD7 protein function with a negative predictive value of 95%. In summary, the available evidence is currently insufficient to determine the role of this variant in disease. Therefore, it has been classified as a Variant of Uncertain Significance.